The following is an entry in ClinVar:

NC_000005.9:g.(?_60186696)_(60241229_?)del

Genes: ERCC8 (ERCC excision repair 8, CSA ubiquitin ligase complex subunit; minus strand), NDUFAF2 (NADH:ubiquinone oxidoreductase complex assembly factor 2; plus strand). Cytogenetic location: 5q12.1.
Variant type: Deletion.
Identifiers: ClinVar variation 3246430 (VCV003246430.1).

ClinVar aggregate classification (germline): Pathogenic (1 of 4 stars; one submission).

Submission:

Labcorp Genetics (formerly Invitae), Labcorp
Classification: Pathogenic. Last evaluated: 2023-10-11. Review status: criteria provided, single submitter. Criteria: Invitae Variant Classification Sherloc (09022015). Collection method: clinical testing. Allele origin: unknown.
Comment: This variant is a gross deletion of the genomic region encompassing exon(s) 1-10 of the ERCC8 gene, which includes the initiator codon. This deletion extends beyond the assayed region for this gene and therefore may encompass additional genes. It is expected to result in an absent or disrupted protein product. Loss-of-function variants in ERCC8 are known to be pathogenic (PMID: 29572252). This variant has not been reported in the literature in individuals affected with ERCC8-related conditions. For these reasons, this variant has been classified as Pathogenic.

Literature cited by the submitters: PubMed 29572252.